The following is an entry in ClinVar:

ClinVar aggregate classification (germline): Uncertain significance (1 of 4 stars; one submission).

Conditions:
3-methylcrotonyl-CoA carboxylase 2 deficiency. Also called: 3 alpha methylcrotonyl-CoA carboxylase 2 deficiency; 3 alpha methylcrotonylglycinuria 2; MCC 2 deficiency; Methylcrotonylglycinuria type 2; METHYLCROTONYLGLYCINURIA, TYPE II. Identifiers: Orphanet 6, MedGen C1859499, MONDO:0008862, OMIM 210210.

Submission:

Labcorp Genetics (formerly Invitae), Labcorp
Classification: Uncertain significance for 3-methylcrotonyl-CoA carboxylase 2 deficiency. Last evaluated: 2024-09-23. Review status: criteria provided, single submitter. Criteria: Invitae Variant Classification Sherloc (09022015). Collection method: clinical testing. Allele origin: germline.
Comment: This sequence change replaces proline, which is neutral and non-polar, with arginine, which is basic and polar, at codon 224 of the MCCC2 protein (p.Pro224Arg). This variant is not present in population databases (gnomAD no frequency). This variant has not been reported in the literature in individuals affected with MCCC2-related conditions. Invitae Evidence Modeling of protein sequence and biophysical properties (such as structural, functional, and spatial information, amino acid conservation, physicochemical variation, residue mobility, and thermodynamic stability) indicates that this missense variant is expected to disrupt MCCC2 protein function with a positive predictive value of 80%. This variant disrupts the p.Pro224 amino acid residue in MCCC2. Other variant(s) that disrupt this residue have been determined to be pathogenic (internal data). This suggests that this residue is clinically significant, and that variants that disrupt this residue are likely to be disease-causing. In summary, the available evidence is currently insufficient to determine the role of this variant in disease. Therefore, it has been classified as a Variant of Uncertain Significance.

NM_022132.5(MCCC2):c.671C>G (p.Pro224Arg)

Gene: MCCC2 (methylcrotonyl-CoA carboxylase subunit 2; plus strand). Cytogenetic location: 5q13.2.
Variant type: single nucleotide variant.
Coding change: c.671C>G on transcript NM_022132.5 (MANE Select); coding-DNA position 671, C replaced by G.
Protein change: p.Pro224Arg; replaces proline 224 with arginine.
Molecular consequence: missense variant. On other transcripts: intron variant (1).
Genome position (GRCh38, 1-based): chr5:71,626,686, C>G. VCF-style: chr5-71626686-C-G. GRCh37 (hg19) VCF-style: chr5-70922513-C-G.
Other names: c.625-5435C>G (NM_001363147.1); short protein forms P224R.
Identifiers: ClinVar variation 3714779 (VCV003714779.2).